The following is an entry in ClinVar:

ClinVar aggregate classification (germline): Uncertain significance (1 of 4 stars; one submission).

Conditions:
Inborn genetic diseases. Identifiers: MedGen C0950123, MeSH D030342.

Submission:

Ambry Genetics
Classification: Uncertain significance for Inborn genetic diseases. Last evaluated: 2026-08-03. Review status: criteria provided, single submitter. Criteria: Ambry Variant Classification Scheme 2023. Collection method: clinical testing. Allele origin: germline.
Comment: The c.808C>T (p.P270S) alteration is located in exon 2 (coding exon 1) of the FZD5 gene. This alteration results from a C to T substitution at nucleotide position 808, causing the proline (P) at amino acid position 270 to be replaced by a serine (S). Based on data from gnomAD, the T allele has an overall frequency of <0.001% (0/220242) total alleles studied. The highest observed frequency was <0.001% (/) of alleles. Based on insufficient or conflicting evidence, the clinical significance of this alteration remains unclear.

NM_003468.4(FZD5):c.808C>T (p.Pro270Ser)

Gene: FZD5 (frizzled class receptor 5; minus strand). Cytogenetic location: 2q33.3.
Variant type: single nucleotide variant.
Coding change: c.808C>T on transcript NM_003468.4 (MANE Select); coding-DNA position 808, C replaced by T.
Protein change: p.Pro270Ser; replaces proline 270 with serine.
Molecular consequence: missense variant.
Genome position (GRCh38, 1-based): chr2:207,767,932, G>A on the plus strand (C>T on the coding strand, the complement: FZD5 is on the minus strand). VCF-style: chr2-207767932-G-A. GRCh37 (hg19) VCF-style: chr2-208632656-G-A.
Other names: short protein forms P270S.
Identifiers: ClinVar variation 5022073 (VCV005022073.1).